The following is an entry in ClinVar:

ClinVar aggregate classification (germline): Uncertain significance (1 of 4 stars; one submission).

Conditions:
Mitochondrial DNA depletion syndrome 1. Also called: POLIP SYNDROME; POLYNEUROPATHY, OPHTHALMOPLEGIA, LEUKOENCEPHALOPATHY, AND INTESTINAL PSEUDOOBSTRUCTION; Mitochondrial DNA Depletion Syndrome, MNGIE Form; Mitochondrial neurogastrointestinal encephalomyopathy syndrome; Mitochondrial DNA depletion syndrome 1 (MNGIE type); Mitochondrial Neurogastrointestinal Encephalopathy Disease. Identifiers: Orphanet 298, MedGen C4551995, MONDO:0011283, OMIM 603041.

Submission:

Neuberg Centre For Genomic Medicine, NCGM
Classification: Uncertain significance for Mitochondrial DNA depletion syndrome 1. Last evaluated: 2024-02-01. Review status: criteria provided, single submitter. Criteria: ACMG Guidelines, 2015. Collection method: clinical testing. Allele origin: germline. Inheritance: Autosomal recessive inheritance.
Comment: The amino acid Ala at position 94 is changed to a Thr changing protein sequence and it might alter its composition and physicochemical properties. The classification is based on ACMG rules, with the supporting clinical evidence rules (PM2,PP3). For these reasons, this variant has been classified as uncertain significance.

NM_001953.5(TYMP):c.280G>A (p.Ala94Thr)

Genes: TYMP (thymidine phosphorylase; minus strand), LOC130067864 (ATAC-STARR-seq lymphoblastoid active region 19325; plus strand). Cytogenetic location: 22q13.33.
Variant type: single nucleotide variant.
Coding change: c.280G>A on transcript NM_001953.5 (MANE Select); coding-DNA position 280, G replaced by A.
Protein change: p.Ala94Thr; replaces alanine 94 with threonine.
Molecular consequence: missense variant.
Genome position (GRCh38, 1-based): chr22:50,529,273, C>T on the plus strand (G>A on the coding strand, the complement: TYMP is on the minus strand). VCF-style: chr22-50529273-C-T. GRCh37 (hg19) VCF-style: chr22-50967702-C-T.
Other names: c.280G>A, p.Ala94Thr (NM_001113755.3, NM_001113756.3, NM_001257988.1 and 1 more transcripts); short protein forms A94T.
Identifiers: ClinVar variation 3898017 (VCV003898017.1).
Genomic context (GRCh38, chr22:50,529,273, plus strand): 5'-CCACAAGCTGCTGGCGCCAGGCCTCTGGCCACTCCAGCTGCTGTCCCGACTGAGCCAGGG[C>T]CTGGGTCAGCACCGAGGTCTCCTCCAGATCCATGCCCCGAAGTCGGATGGCCATCAGCAT-3'
Protein context (NP_001944.1, residues 84-104): DLEETSVLTQ[Ala94Thr]LAQSGQQLEW